The following is an entry in ClinVar:

NM_014714.4(IFT140):c.3142_3144del

Gene: IFT140 (intraflagellar transport 140; minus strand). Cytogenetic location: 16p13.3.
Variant type: Deletion.
Coding change: c.3142_3144del on transcript NM_014714.4 (MANE Select); coding-DNA positions 3142 to 3144, 3 bases deleted (GAG; older notation c.3142_3144delGAG).
Genome position (GRCh38, 1-based): chr16:1,523,954-1,523,956, CTC deleted on the plus strand (GAG on the coding strand, the reverse complement: IFT140 is on the minus strand); deleting any 3 consecutive bases within chr16:1,523,954-1,523,958 gives the same sequence; the c. name uses the placement nearest the transcript's 3' end. VCF-style (leftmost placement, unchanged base first): chr16-1523953-TCTC-T. GRCh37 (hg19) VCF-style: chr16-1573954-TCTC-T.
Other names: c.3142_3144delGAG (NM_014714.3); c.3142_3144del (NM_014714.3).
Identifiers: ClinVar variation 1053111 (VCV001053111.8), dbSNP rs754866110, ClinGen allele CA7813276.

ClinVar aggregate classification (germline): Uncertain significance. Review status: criteria provided, multiple submitters, no conflicts (2 of 4 stars). 5 submissions from 5 submitters: Uncertain significance (4). 1 of the submissions does not count toward it. Last evaluated 2025-06-12.

Conditions:
IFT140-related disorder. Also called: IFT140-related condition.
Saldino-Mainzer syndrome (SRTD9). Also called: Renal dysplasia, retinal pigmentary dystrophy, cerebellar ataxia and skeletal dysplasia; SHORT-RIB THORACIC DYSPLASIA 9 WITHOUT POLYDACTYLY; short-rib thoracic dysplasia 9 with or without polydactyly; CONORENAL SYNDROME. Identifiers: Orphanet 140969, MedGen C1849437, MONDO:0009964, OMIM 266920.
Retinitis pigmentosa 80 (RP80). Identifiers: MedGen C4540439, MONDO:0054708, OMIM 617781.

Submissions (5):

GeneDx
Classification: Uncertain significance. Last evaluated: 2025-06-12. Review status: criteria provided, single submitter. Criteria: GeneDx Variant Classification Process June 2021. Collection method: clinical testing. Allele origin: germline. Affected: yes.
Comment: In-frame deletion of 1 amino acid in a non-repeat region; In silico analysis supports a deleterious effect on protein structure/function; Has not been previously published as pathogenic or benign to our knowledge

Blueprint Genetics
Classification: Uncertain significance. Last evaluated: 2023-10-23. Review status: criteria provided, single submitter. Criteria: ACMG Guidelines, 2015. Collection method: clinical testing. Allele origin: germline.

Labcorp Genetics (formerly Invitae), Labcorp
Classification: Uncertain significance for Saldino-Mainzer syndrome. Last evaluated: 2022-08-21. Review status: criteria provided, single submitter. Criteria: Invitae Variant Classification Sherloc (09022015). Collection method: clinical testing. Allele origin: germline.
Comment: This variant, c.3142_3144del, results in the deletion of 1 amino acid(s) of the IFT140 protein (p.Glu1048del), but otherwise preserves the integrity of the reading frame. This variant is present in population databases (rs754866110, gnomAD 0.02%). This variant has not been reported in the literature in individuals affected with IFT140-related conditions. ClinVar contains an entry for this variant (Variation ID: 1053111). Algorithms developed to predict the effect of sequence changes on RNA splicing suggest that this variant may disrupt the consensus splice site. In summary, the available evidence is currently insufficient to determine the role of this variant in disease. Therefore, it has been classified as a Variant of Uncertain Significance.

Fulgent Genetics
Classification: Uncertain significance for Saldino-Mainzer syndrome; Retinitis pigmentosa 80. Last evaluated: 2022-02-03. Review status: criteria provided, single submitter. Criteria: ACMG Guidelines, 2015. Collection method: clinical testing. Allele origin: unknown.

PreventionGenetics, part of Exact Sciences
Classification: Uncertain significance for IFT140-related condition. Last evaluated: 2024-04-17. Review status: no assertion criteria provided. Collection method: clinical testing. Allele origin: germline. Not counted in ClinVar's aggregate classification.
Comment: The IFT140 c.3142_3144delGAG variant is predicted to result in an in-frame deletion (p.Glu1048del). To our knowledge, this variant has not been reported in the literature. This variant is reported in 0.016% of alleles in individuals of European (Non-Finnish) descent in gnomAD. At this time, the clinical significance of this variant is uncertain due to the absence of conclusive functional and genetic evidence.